The following is an entry in ClinVar:

NM_006767.4(LZTR1):c.1322A>G (p.Gln441Arg)

Gene: LZTR1 (leucine zipper like post translational regulator 1; plus strand). Cytogenetic location: 22q11.21.
Variant type: single nucleotide variant.
Coding change: c.1322A>G on transcript NM_006767.4 (MANE Select); coding-DNA position 1322, A replaced by G.
Protein change: p.Gln441Arg; replaces glutamine 441 with arginine.
Molecular consequence: missense variant.
Genome position (GRCh38, 1-based): chr22:20,993,723, A>G. VCF-style: chr22-20993723-A-G. GRCh37 (hg19) VCF-style: chr22-21348012-A-G.
Other names: short protein forms Q441R.
Identifiers: ClinVar variation 1449725 (VCV001449725.8), dbSNP rs1660437007, ClinGen allele CA410774575.
Genomic context (GRCh38, chr22:20,993,723, plus strand): 5'-TCTCCTGTTACCCTAAATGCACGCTGCACGAGGACTACGGGCGGCTGTGGGAGAGCCGCC[A>G]GTTCTGCGACGTGGAGTTCGTGCTGGGTGAGGTGGGTGCCTGTCCTCGCACCCTGCTCTG-3'
Protein context (NP_006758.2, residues 431-451): EDYGRLWESR[Gln441Arg]FCDVEFVLGE

ClinVar aggregate classification (germline): Uncertain significance. Review status: criteria provided, multiple submitters, no conflicts (2 of 4 stars). 2 submissions from 2 submitters: Uncertain significance (2). Last evaluated 2025-01-23.

Conditions:
Hereditary cancer-predisposing syndrome. Also called: Hereditary Cancer Syndrome; Hereditary neoplastic syndrome; Neoplastic Syndromes, Hereditary; Tumor predisposition. Identifiers: Orphanet 140162, MedGen C0027672, MeSH D009386, MONDO:0015356.
Cardiovascular phenotype. Identifiers: MedGen CN230736.

Allele frequency attached by ClinVar (database versions not stated): TOPMed below 0.00001.

Submissions (2):

Labcorp Genetics (formerly Invitae), Labcorp
Classification: Uncertain significance. Last evaluated: 2025-01-23. Review status: criteria provided, single submitter. Criteria: Invitae Variant Classification Sherloc (09022015). Collection method: clinical testing. Allele origin: germline.
Comment: This sequence change replaces glutamine, which is neutral and polar, with arginine, which is basic and polar, at codon 441 of the LZTR1 protein (p.Gln441Arg). This variant is not present in population databases (gnomAD no frequency). This variant has not been reported in the literature in individuals affected with LZTR1-related conditions. ClinVar contains an entry for this variant (Variation ID: 1449725). Invitae Evidence Modeling of protein sequence and biophysical properties (such as structural, functional, and spatial information, amino acid conservation, physicochemical variation, residue mobility, and thermodynamic stability) indicates that this missense variant is not expected to disrupt LZTR1 protein function with a negative predictive value of 80%. In summary, the available evidence is currently insufficient to determine the role of this variant in disease. Therefore, it has been classified as a Variant of Uncertain Significance.

Ambry Genetics
Classification: Uncertain significance for Cardiovascular phenotype; Hereditary cancer-predisposing syndrome. Last evaluated: 2022-02-12. Review status: criteria provided, single submitter. Criteria: Ambry Variant Classification Scheme 2023. Collection method: clinical testing. Allele origin: germline.
Comment: The p.Q441R variant (also known as c.1322A>G), located in coding exon 12 of the LZTR1 gene, results from an A to G substitution at nucleotide position 1322. The glutamine at codon 441 is replaced by arginine, an amino acid with highly similar properties. This amino acid position is conserved. In addition, the in silico prediction for this alteration is inconclusive. Since supporting evidence is limited at this time, the clinical significance of this alteration remains unclear.